The following is an entry in ClinVar:

ClinVar aggregate classification (germline): Likely pathogenic. Review status: criteria provided, multiple submitters, no conflicts (2 of 4 stars). 4 submissions from 4 submitters: Likely pathogenic (4). Last evaluated 2026-01-22.

Conditions:
NPHP3-related Meckel-like syndrome. Also called: GOLDSTON SYNDROME; Meckel syndrome type 7. Identifiers: Orphanet 3032, MedGen C2673885, MONDO:0009966, OMIM 267010.
Renal-hepatic-pancreatic dysplasia 1 (RHPD1). Identifiers: MedGen C3715199, MONDO:0008833, OMIM 208540.
Nephronophthisis 3 (NPHP3). Also called: Adolescent nephronophthisis. Identifiers: Orphanet 655, MedGen C1858392, MONDO:0011456, OMIM 604387.
NPHP3-related disorder. Also called: NPHP3-related condition; NPHP3-related disorders. Identifiers: MedGen CN379163.
Nephronophthisis. Also called: Juvenile Nephronophthisis. Identifiers: Orphanet 655, MedGen C0687120, MONDO:0019005, HP:0000090.

gnomAD v4.1: 16 of 1,613,596 alleles (0.00099%); highest among the groups gnomAD compares: East Asian, 0.027%; no homozygotes.

Submissions (4):

3billion
Classification: Likely pathogenic for NPHP3-related disorder. Last evaluated: 2026-01-22. Review status: criteria provided, single submitter. Criteria: ACMG Guidelines, 2015. Collection method: clinical testing. Allele origin: germline. Affected: yes.
Comment: The variant is observed at an extremely low frequency in the gnomAD v4.1.0 dataset (total allele frequency: 0.001%). Predicted Consequence/Location: Missense variant The same nucleotide change resulting in the same amino acid change has been previously reported as pathogenic/likely pathogenic with strong evidence (ClinVar ID: VCV001077017 /PMID: 27491411 /3billion dataset). The variant has been reported to be in trans with a pathogenic variant as either compound heterozygous or homozygous in at least one similarly affected unrelated individual (3billion dataset). Therefore, this variant is classified as Likely pathogenic according to the recommendation of ACMG/AMP guideline.

Labcorp Genetics (formerly Invitae), Labcorp
Classification: Likely pathogenic for Nephronophthisis. Last evaluated: 2025-07-13. Review status: criteria provided, single submitter. Criteria: Invitae Variant Classification Sherloc (09022015). Collection method: clinical testing. Allele origin: germline.
Comment: This sequence change replaces leucine, which is neutral and non-polar, with valine, which is neutral and non-polar, at codon 1253 of the NPHP3 protein (p.Leu1253Val). This variant is present in population databases (rs775281384, gnomAD 0.02%). This missense change has been observed in individual(s) with clinical features of NPHP3-related conditions and/or nephronopthisis (PMID: 27491411, 32901917, 36090483, 37270787). In at least one individual the data is consistent with being in trans (on the opposite chromosome) from a pathogenic variant. ClinVar contains an entry for this variant (Variation ID: 1077017). Invitae Evidence Modeling of protein sequence and biophysical properties (such as structural, functional, and spatial information, amino acid conservation, physicochemical variation, residue mobility, and thermodynamic stability) indicates that this missense variant is not expected to disrupt NPHP3 protein function with a negative predictive value of 80%. In summary, the currently available evidence indicates that the variant is pathogenic, but additional data are needed to prove that conclusively. Therefore, this variant has been classified as Likely Pathogenic.

Fulgent Genetics
Classification: Likely pathogenic for Renal-hepatic-pancreatic dysplasia 1; NPHP3-related Meckel-like syndrome; Nephronophthisis 3. Last evaluated: 2024-05-07. Review status: criteria provided, single submitter. Criteria: ACMG Guidelines, 2015. Collection method: clinical testing. Allele origin: germline.

Precision Medicine Center, Zhengzhou University
Classification: Likely pathogenic for Nephronophthisis 3. Review status: criteria provided, single submitter. Criteria: ACMG Guidelines, 2015. Collection method: research. Allele origin: germline. Affected: yes.
Comment: PM2:at extremely low frequency in gnomAD PP1:Cosegregation with disease in multiple affected family members PP3:Multiple lines of computational evidence support a deleterious effect on the gene or gene product PP4:Patient's phenotype is highly specific for a disease PP5:Reputable source recently reports variant as pathogenic

Literature cited by the submitters: PubMed 27491411 (cited by 3billion and Labcorp Genetics (formerly Invitae), Labcorp); PubMed 32901917 (cited by Labcorp Genetics (formerly Invitae), Labcorp); PubMed 36090483 (cited by Labcorp Genetics (formerly Invitae), Labcorp); PubMed 37270787 (cited by Labcorp Genetics (formerly Invitae), Labcorp).

NM_153240.5(NPHP3):c.3757C>G (p.Leu1253Val)

Genes: NPHP3 (nephrocystin 3; minus strand), NPHP3-ACAD11 (NPHP3-ACAD11 readthrough (NMD candidate); minus strand). Cytogenetic location: 3q22.1.
Variant type: single nucleotide variant.
Coding change: c.3757C>G on transcript NM_153240.5 (MANE Select); coding-DNA position 3757, C replaced by G.
Protein change: p.Leu1253Val; replaces leucine 1253 with valine.
Molecular consequence: missense variant. On other transcripts: non-coding transcript variant (1).
Genome position (GRCh38, 1-based): chr3:132,682,758, G>C on the plus strand (C>G on the coding strand, the complement: NPHP3 is on the minus strand). VCF-style: chr3-132682758-G-C. GRCh37 (hg19) VCF-style: chr3-132401602-G-C.
Other names: short protein forms L1253V.
Identifiers: ClinVar variation 1077017 (VCV001077017.6), dbSNP rs775281384, ClinGen allele CA2621654.
Genomic context (GRCh38, chr3:132,682,758, plus strand): 5'-CTTACCTAAGCACAGCTAAATTTTTCAGTGTTTCTCCAACTCGAGGATGCATCCGACCCA[G>C]GCTATCTTCATAAATCTTTAATGCTCTTTCATATAATGGCAAAGCTTCAACGTGTTTTTT-3'
Protein context (NP_694972.3, residues 1243-1263): ERALKIYEDS[Leu1253Val]GRMHPRVGET